The following is an entry in ClinVar:

ClinVar aggregate classification (germline): Uncertain significance (1 of 4 stars; one submission).

Allele frequency attached by ClinVar (database versions not stated): gnomAD exomes below 0.00001.
gnomAD v4.1: 4 of 1,613,480 alleles (0.00025%); highest among the groups gnomAD compares: Admixed American, 0.0017%; no homozygotes.

Submission:

Labcorp Genetics (formerly Invitae), Labcorp
Classification: Uncertain significance. Last evaluated: 2022-02-20. Review status: criteria provided, single submitter. Criteria: Invitae Variant Classification Sherloc (09022015). Collection method: clinical testing. Allele origin: germline.
Comment: In summary, the available evidence is currently insufficient to determine the role of this variant in disease. Therefore, it has been classified as a Variant of Uncertain Significance. Algorithms developed to predict the effect of missense changes on protein structure and function are either unavailable or do not agree on the potential impact of this missense change (SIFT: "Not Available"; PolyPhen-2: "Probably Damaging"; Align-GVGD: "Not Available"). This variant has not been reported in the literature in individuals affected with BMP2-related conditions. This variant is not present in population databases (gnomAD no frequency). This sequence change replaces proline, which is neutral and non-polar, with serine, which is neutral and polar, at codon 77 of the BMP2 protein (p.Pro77Ser).

NM_001200.4(BMP2):c.229C>T (p.Pro77Ser)

Gene: BMP2 (bone morphogenetic protein 2; plus strand). Cytogenetic location: 20p12.3.
Variant type: single nucleotide variant.
Coding change: c.229C>T on transcript NM_001200.4 (MANE Select); coding-DNA position 229, C replaced by T.
Protein change: p.Pro77Ser; replaces proline 77 with serine.
Molecular consequence: missense variant.
Genome position (GRCh38, 1-based): chr20:6,770,355, C>T. VCF-style: chr20-6770355-C-T. GRCh37 (hg19) VCF-style: chr20-6751002-C-T.
Other names: short protein forms P77S.
Identifiers: ClinVar variation 2100457 (VCV002100457.4), dbSNP rs36105541, ClinGen allele CA311471114.